The following is an entry in ClinVar:

ClinVar aggregate classification (germline): Uncertain significance (1 of 4 stars; one submission).

Conditions:
Glycine encephalopathy. Also called: Nonketotic hyperglycinemia; Non-ketotic hyperglycinemia. Identifiers: Orphanet 407, MedGen C0751748, MONDO:0011612, HP:0008288.

Allele frequency attached by ClinVar (database versions not stated): gnomAD exomes below 0.00001.
gnomAD v4.1: 3 of 1,610,218 alleles (0.00019%); highest among the groups gnomAD compares: East Asian, 0.0022%; no homozygotes.

Submission:

Labcorp Genetics (formerly Invitae), Labcorp
Classification: Uncertain significance for Glycine encephalopathy. Last evaluated: 2021-09-17. Review status: criteria provided, single submitter. Criteria: Invitae Variant Classification Sherloc (09022015). Collection method: clinical testing. Allele origin: germline.
Comment: This sequence change replaces isoleucine with threonine at codon 87 of the GLDC protein (p.Ile87Thr). The isoleucine residue is weakly conserved and there is a moderate physicochemical difference between isoleucine and threonine. This variant is not present in population databases (ExAC no frequency). This variant has not been reported in the literature in individuals with GLDC-related conditions. Algorithms developed to predict the effect of missense changes on protein structure and function are either unavailable or do not agree on the potential impact of this missense change (SIFT: "Deleterious"; PolyPhen-2: "Benign"; Align-GVGD: "Class C0"). In summary, the available evidence is currently insufficient to determine the role of this variant in disease. Therefore, it has been classified as a Variant of Uncertain Significance.

NM_000170.3(GLDC):c.260T>C (p.Ile87Thr)

Gene: GLDC (glycine decarboxylase; minus strand). Cytogenetic location: 9p24.1.
Variant type: single nucleotide variant.
Coding change: c.260T>C on transcript NM_000170.3 (MANE Select); coding-DNA position 260, T replaced by C.
Protein change: p.Ile87Thr; replaces isoleucine 87 with threonine.
Molecular consequence: missense variant.
Genome position (GRCh38, 1-based): chr9:6,644,688, A>G on the plus strand (T>C on the coding strand, the complement: GLDC is on the minus strand). VCF-style: chr9-6644688-A-G. GRCh37 (hg19) VCF-style: chr9-6644688-A-G.
Other names: short protein forms I87T.
Identifiers: ClinVar variation 1372449 (VCV001372449.5), dbSNP rs561846684, ClinGen allele CA188662598.